The following is an entry in ClinVar:

ClinVar aggregate classification (germline): Uncertain significance (1 of 4 stars; one submission).

Conditions:
Hereditary cancer-predisposing syndrome. Also called: Tumor predisposition; Neoplastic Syndromes, Hereditary; Hereditary neoplastic syndrome; Hereditary Cancer Syndrome. Identifiers: Orphanet 140162, MedGen C0027672, MeSH D009386, MONDO:0015356.

Submission:

Ambry Genetics
Classification: Uncertain significance for Hereditary cancer-predisposing syndrome. Last evaluated: 2025-08-31. Review status: criteria provided, single submitter. Criteria: Ambry Variant Classification Scheme 2023. Collection method: clinical testing. Allele origin: germline.
Comment: The p.E687Q variant (also known as c.2059G>C), located in coding exon 18 of the MRE11A gene, results from a G to C substitution at nucleotide position 2059. The glutamic acid at codon 687 is replaced by glutamine, an amino acid with highly similar properties. This amino acid position is conserved. In addition, the in silico prediction for this alteration is inconclusive. Based on the available evidence, the clinical significance of this variant remains unclear.

NM_005591.4(MRE11):c.2059G>C (p.Glu687Gln)

Gene: MRE11 (MRE11 double strand break repair nuclease; minus strand). Cytogenetic location: 11q21.
Variant type: single nucleotide variant.
Coding change: c.2059G>C on transcript NM_005591.4 (MANE Select); coding-DNA position 2059, G replaced by C.
Protein change: p.Glu687Gln; replaces glutamic acid 687 with glutamine.
Molecular consequence: missense variant. On other transcripts: intron variant (1).
Genome position (GRCh38, 1-based): chr11:94,429,922, C>G on the plus strand (G>C on the coding strand, the complement: MRE11 is on the minus strand). VCF-style: chr11-94429922-C-G. GRCh37 (hg19) VCF-style: chr11-94163088-C-G.
Other names: c.2056G>C, p.Glu686Gln (NM_001330347.2, NM_001440464.1, NM_001440465.1); c.2110G>C, p.Glu704Gln (NM_001440460.1, NM_001440461.1); c.2059G>C, p.Glu687Gln (NM_001440462.1, NM_001440463.1); c.2026G>C, p.Glu676Gln (NM_001440466.1); c.1996G>C, p.Glu666Gln (NM_001440467.1, NM_001440468.1, NM_001440469.1); c.1993G>C, p.Glu665Gln (NM_001440470.1); c.1984G>C, p.Glu662Gln (NM_001440471.1); c.1981G>C, p.Glu661Gln (NM_001440472.1); and 8 more; short protein forms E661Q, E666Q, E686Q, E531Q, E660Q, E571Q, E572Q, E638Q.
Identifiers: ClinVar variation 4110101 (VCV004110101.1).
Genomic context (GRCh38, chr11:94,429,922, plus strand): 5'-TTTTATAAAGTTAAAAATTAATTAAAATTTAACAATATTACTTATTTACCTCACTTGATT[C>G]AAAATCAACCCCTTTCGATACTTGACTCTGGGACATGATTTTGCTGGATGATGTGCTGGA-3'
Protein context (NP_005582.1, residues 677-697): QSQVSKGVDF[Glu687Gln]SSEDDDDDPF